The following is an entry in ClinVar:

NM_007294.4(BRCA1):c.1795A>G (p.Asn599Asp)

Gene: BRCA1 (BRCA1 DNA repair associated; minus strand). Cytogenetic location: 17q21.31.
Variant type: single nucleotide variant.
Coding change: c.1795A>G on transcript NM_007294.4 (MANE Select); coding-DNA position 1795, A replaced by G.
Protein change: p.Asn599Asp; replaces asparagine 599 with aspartic acid.
Molecular consequence: missense variant. On other transcripts: intron variant (137).
Genome position (GRCh38, 1-based): chr17:43,093,736, T>C on the plus strand (A>G on the coding strand, the complement: BRCA1 is on the minus strand). VCF-style: chr17-43093736-T-C. GRCh37 (hg19) VCF-style: chr17-41245753-T-C.
Other names: c.1651A>G, p.Asn551Asp (NM_001407749.1, NM_001407838.1, NM_001407839.1 and 20 more transcripts); c.1654A>G, p.Asn552Asp (NM_001407750.1, NM_001407751.1, NM_001407752.1 and 29 more transcripts); c.1585A>G, p.Asn529Asp (NM_001407882.1, NM_001407884.1, NM_001407885.1 and 13 more transcripts); c.1582A>G, p.Asn528Asp (NM_001407853.1, NM_001407571.1, NM_001407894.1 and 9 more transcripts); c.1795A>G, p.Asn599Asp (NM_001407854.1, NM_001407858.1, NM_001407859.1 and 30 more transcripts); c.1792A>G, p.Asn598Asp (NM_001407860.1, NM_001407861.1, NM_001407587.1 and 22 more transcripts); c.1594A>G, p.Asn532Asp (NM_001407862.1); c.1672A>G, p.Asn558Asp (NM_001407863.1, NM_001407648.1, NM_001407664.1 and 19 more transcripts); and 40 more; short protein forms N303D, N557D, N558D, N596D, N431D, N471D, N472D, N510D.
Identifiers: ClinVar variation 1999229 (VCV001999229.6), dbSNP rs2154422117, ClinGen allele CA10598431.

ClinVar aggregate classification (germline): Conflicting classifications of pathogenicity. Review status: criteria provided, conflicting classifications (1 of 4 stars). 2 submissions from 2 submitters: Uncertain significance (1); Likely benign (1). Last evaluated 2023-03-23.

Conditions:
Hereditary breast ovarian cancer syndrome. Also called: Breast and ovarian cancer; Hereditary breast and ovarian cancer syndrome; BRCA1- and BRCA2-Associated Hereditary Breast and Ovarian Cancer; Hereditary breast and ovarian cancer syndrome (HBOC); Hereditary breast and/or ovarian cancer syndrome; Hereditary breast and ovarian cancer. Identifiers: Orphanet 145, MedGen C0677776, MeSH D061325, MONDO:0003582. Disease mechanism: loss of function.
Hereditary cancer-predisposing syndrome. Also called: Neoplastic Syndromes, Hereditary; Hereditary neoplastic syndrome; Tumor predisposition; Hereditary Cancer Syndrome. Identifiers: Orphanet 140162, MedGen C0027672, MeSH D009386, MONDO:0015356.

Submissions (2):

University of Washington Department of Laboratory Medicine, University of Washington
Classification: Likely benign for Hereditary cancer-predisposing syndrome. Last evaluated: 2023-03-23. Review status: criteria provided, single submitter. Criteria: Dines et al. (Genet Med. 2020). Collection method: curation. Allele origin: germline.
Comment: Missense variant in a coldspot region where missense variants are very unlikely to be pathogenic (PMID:31911673).

BRCA1 coldspot (exon 11 using historical exon numbering). Reclassification based on statistical prior probability

Labcorp Genetics (formerly Invitae), Labcorp
Classification: Uncertain significance for Hereditary breast ovarian cancer syndrome. Last evaluated: 2022-08-08. Review status: criteria provided, single submitter. Criteria: Invitae Variant Classification Sherloc (09022015). Collection method: clinical testing. Allele origin: germline.
Comment: Advanced modeling of protein sequence and biophysical properties (such as structural, functional, and spatial information, amino acid conservation, physicochemical variation, residue mobility, and thermodynamic stability) performed at Invitae indicates that this missense variant is not expected to disrupt BRCA1 protein function. This sequence change replaces asparagine, which is neutral and polar, with aspartic acid, which is acidic and polar, at codon 599 of the BRCA1 protein (p.Asn599Asp). This variant is not present in population databases (gnomAD no frequency). This variant has not been reported in the literature in individuals affected with BRCA1-related conditions. In summary, the available evidence is currently insufficient to determine the role of this variant in disease. Therefore, it has been classified as a Variant of Uncertain Significance.